The following is an entry in ClinVar:

NM_000340.2(SLC2A2):c.1469del (p.Lys490fs)

Gene: SLC2A2 (solute carrier family 2 member 2; minus strand). Cytogenetic location: 3q26.2.
Variant type: Deletion.
Coding change: c.1469del on transcript NM_000340.2 (MANE Select); coding-DNA position 1469, one base deleted (A; older notation c.1469delA).
Protein change: p.Lys490fs; shifts the reading frame from lysine 490.
Molecular consequence: frameshift variant.
Genome position (GRCh38, 1-based): chr3:170,998,009, T deleted on the plus strand (A on the coding strand, the reverse complement: SLC2A2 is on the minus strand); the first of 3 consecutive T bases (chr3:170,998,009-170,998,011); deleting any one gives the same sequence. VCF-style (leftmost placement, unchanged base first): chr3-170998008-CT-C. GRCh37 (hg19) VCF-style: chr3-170715797-CT-C.
Other names: c.1469del (NM_000340.1); c.1112del, p.Lys371fs (NM_001278658.2); c.950del, p.Lys317fs (NM_001278659.2); short protein forms K371fs, K317fs, K490fs.
Identifiers: ClinVar variation 4964978 (VCV004964978.2).

ClinVar aggregate classification (germline): Conflicting classifications of pathogenicity. Review status: criteria provided, conflicting classifications (1 of 4 stars). 2 submissions from 2 submitters: Likely pathogenic (1); Uncertain significance (1). Last evaluated 2026-03-18.

Conditions:
SLC2A2-related disorder. Also called: SLC2A2-related condition.

Submissions (2):

GeneDx
Classification: Uncertain significance. Last evaluated: 2026-03-18. Review status: criteria provided, single submitter. Criteria: GeneDx Variant Classification Process June 2021. Collection method: clinical testing. Allele origin: germline.
Comment: Not observed at significant frequency in large population cohorts (gnomAD); Frameshift variant predicted to result in abnormal protein length as the last 35 amino acids are replaced with 23 different amino acids with an unclear effect on protein function; This variant is associated with the following publications: (PMID: 21271664, 35796289)

Blueprint Genetics
Classification: Likely pathogenic for SLC2A2-related disorders. Last evaluated: 2022-01-07. Review status: criteria provided, single submitter. Criteria: ACMG Guidelines, 2015. Collection method: clinical testing. Allele origin: germline. Affected: yes. Observed: 3 variant alleles.